The following is an entry in ClinVar:

ClinVar aggregate classification (germline): Uncertain significance (1 of 4 stars; one submission).

Conditions:
Primary ciliary dyskinesia. Also called: Ciliary dyskinesia. Identifiers: Orphanet 244, MedGen C0008780, MONDO:0016575, HP:0012265.

Allele frequency attached by ClinVar (database versions not stated): gnomAD 0.00001.

Submission:

Ambry Genetics
Classification: Uncertain significance for Primary ciliary dyskinesia. Last evaluated: 2017-05-23. Review status: criteria provided, single submitter. Criteria: Ambry Variant Classification Scheme 2023. Collection method: clinical testing. Allele origin: germline.
Comment: The p.P541S variant (also known as c.1621C>T), located in coding exon 15 of the NME8 gene, results from a C to T substitution at nucleotide position 1621. The proline at codon 541 is replaced by serine, an amino acid with similar properties. This amino acid position is highly conserved in available vertebrate species. In addition, this alteration is predicted to be deleterious by in silico analysis. Since supporting evidence is limited at this time, the clinical significance of this alteration remains unclear.

NM_016616.5(NME8):c.1621C>T (p.Pro541Ser)

Gene: NME8 (NME/NM23 family member 8; plus strand). Cytogenetic location: 7p14.1.
Variant type: single nucleotide variant.
Coding change: c.1621C>T on transcript NM_016616.5 (MANE Select); coding-DNA position 1621, C replaced by T.
Protein change: p.Pro541Ser; replaces proline 541 with serine.
Molecular consequence: missense variant.
Genome position (GRCh38, 1-based): chr7:37,896,946, C>T. VCF-style: chr7-37896946-C-T. GRCh37 (hg19) VCF-style: chr7-37936548-C-T.
Other names: short protein forms P541S.
Identifiers: ClinVar variation 1776615 (VCV001776615.2), dbSNP rs1224442590, ClinGen allele CA367217824.
Genomic context (GRCh38, chr7:37,896,946, plus strand): 5'-ATGATTCTGACCAAGTGGAATGCTGTTGCAGAATGGAGACGATTGATGGGCCCAACAGAC[C>T]CAGAAGAAGCAAAATTACTTTCCCCTGACTCCATCCGAGCCCAGTTTGGAATAAGTAAAT-3'
Protein context (NP_057700.3, residues 531-551): EWRRLMGPTD[Pro541Ser]EEAKLLSPDS